The following is an entry in ClinVar:

ClinVar aggregate classification (germline): Pathogenic (1 of 4 stars; one submission).

Conditions:
Granulomatous disease, chronic, X-linked. Also called: CYTOCHROME b-NEGATIVE GRANULOMATOUS DISEASE, CHRONIC, X-LINKED; GRANULOMATOUS DISEASE, CHRONIC, X-LINKED, SOMATIC MOSAIC. Identifiers: Orphanet 379, MedGen C1844376, MONDO:0010600, OMIM 306400.

Submissions (2):

Labcorp Genetics (formerly Invitae), Labcorp
Classification: Pathogenic for Granulomatous disease, chronic, X-linked. Last evaluated: 2024-02-24. Review status: criteria provided, single submitter. Criteria: Invitae Variant Classification Sherloc (09022015). Collection method: clinical testing. Allele origin: germline.
Comment: This sequence change creates a premature translational stop signal (p.Tyr280*) in the CYBB gene. It is expected to result in an absent or disrupted protein product. Loss-of-function variants in CYBB are known to be pathogenic (PMID: 9585602, 20729109). This variant is not present in population databases (gnomAD no frequency). This premature translational stop signal has been observed in individual(s) with chronic granulomatous disease (PMID: 20729109, 29560547). ClinVar contains an entry for this variant (Variation ID: 1460262). For these reasons, this variant has been classified as Pathogenic.

Dr. Peter K. Rogan Lab, Western University
No classification provided (evidence only). Condition: Nonpapillary renal cell carcinoma. Review status: no classification provided. Collection method: in vitro. Allele origin: not applicable. Functional consequence: retained intron. Not counted in ClinVar's aggregate classification.

Literature cited by the submitters: PubMed 9585602 (cited by Labcorp Genetics (formerly Invitae), Labcorp); PubMed 20729109 (cited by Labcorp Genetics (formerly Invitae), Labcorp); PubMed 29560547 (cited by Labcorp Genetics (formerly Invitae), Labcorp).

NM_000397.4(CYBB):c.840T>G (p.Tyr280Ter)

Gene: CYBB (cytochrome b-245 beta chain; plus strand). Cytogenetic location: Xp11.4.
Variant type: single nucleotide variant.
Coding change: c.840T>G on transcript NM_000397.4 (MANE Select); coding-DNA position 840, T replaced by G.
Protein change: p.Tyr280Ter; replaces tyrosine 280 with a stop codon.
Molecular consequence: nonsense.
Genome position (GRCh38, 1-based): chrX:37,801,291, T>G. VCF-style: chrX-37801291-T-G. GRCh37 (hg19) VCF-style: chrX-37660544-T-G.
Other names: short protein forms Y280*.
Identifiers: ClinVar variation 1460262 (VCV001460262.9), dbSNP rs1929432929, ClinGen allele CA412976861.